The following is an entry in ClinVar:

ClinVar aggregate classification (germline): Uncertain significance (1 of 4 stars; one submission).

Submission:

GeneDx
Classification: Uncertain significance. Last evaluated: 2025-09-29. Review status: criteria provided, single submitter. Criteria: GeneDx Variant Classification Process June 2021. Collection method: clinical testing. Allele origin: germline.
Comment: Not observed at significant frequency in large population cohorts (gnomAD); In silico analysis suggests that this missense variant does not alter protein structure/function; Has not been previously published as pathogenic or benign to our knowledge; This variant is associated with the following publications: (PMID: 39766868)

NM_181332.3(NLGN4X):c.1859C>T (p.Ser620Leu)

Gene: NLGN4X (neuroligin 4 X-linked; minus strand). Cytogenetic location: Xp22.32.
Variant type: single nucleotide variant.
Coding change: c.1859C>T on transcript NM_181332.3 (MANE Select); coding-DNA position 1859, C replaced by T.
Protein change: p.Ser620Leu; replaces serine 620 with leucine.
Molecular consequence: missense variant.
Genome position (GRCh38, 1-based): chrX:5,893,409, G>A on the plus strand (C>T on the coding strand, the complement: NLGN4X is on the minus strand). VCF-style: chrX-5893409-G-A. GRCh37 (hg19) VCF-style: chrX-5811450-G-A.
Other names: c.1859C>T, p.Ser620Leu (NM_001282145.2, NM_001282146.2, NM_020742.4); short protein forms S620L.
Identifiers: ClinVar variation 1804259 (VCV001804259.2), dbSNP rs2518400393, ClinGen allele CA412013519.